The following is an entry in ClinVar:

NM_001197104.2(KMT2A):c.5258C>T (p.Ala1753Val)

Gene: KMT2A (lysine methyltransferase 2A; plus strand). Cytogenetic location: 11q23.3.
Variant type: single nucleotide variant.
Coding change: c.5258C>T on transcript NM_001197104.2 (MANE Select); coding-DNA position 5258, C replaced by T.
Protein change: p.Ala1753Val; replaces alanine 1753 with valine.
Molecular consequence: missense variant.
Genome position (GRCh38, 1-based): chr11:118,494,367, C>T. VCF-style: chr11-118494367-C-T. GRCh37 (hg19) VCF-style: chr11-118365082-C-T.
Other names: c.5348C>T, p.Ala1783Val (NM_001412597.1); c.5249C>T, p.Ala1750Val (NM_005933.4); short protein forms A1783V, A1750V, A1753V.
Identifiers: ClinVar variation 3634324 (VCV003634324.2).
Genomic context (GRCh38, chr11:118,494,367, plus strand): 5'-TTGTGAAGATCATTCAAGCAGCCATTAATTCAGATGGAGGACAGCCAGAAATTAAAAAAG[C>T]CAACAGCATGGTCAAGTCCTTCTTCATTCGGGTGAATGATATTACTAATTCATGTTTTTA-3'
Protein context (NP_001184033.1, residues 1743-1763): SDGGQPEIKK[Ala1753Val]NSMVKSFFIR

ClinVar aggregate classification (germline): Uncertain significance (1 of 4 stars; one submission).

Submission:

Labcorp Genetics (formerly Invitae), Labcorp
Classification: Uncertain significance. Last evaluated: 2024-10-27. Review status: criteria provided, single submitter. Criteria: Invitae Variant Classification Sherloc (09022015). Collection method: clinical testing. Allele origin: germline.
Comment: This sequence change replaces alanine, which is neutral and non-polar, with valine, which is neutral and non-polar, at codon 1753 of the KMT2A protein (p.Ala1753Val). This variant is not present in population databases (gnomAD no frequency). This variant has not been reported in the literature in individuals affected with KMT2A-related conditions. Invitae Evidence Modeling of protein sequence and biophysical properties (such as structural, functional, and spatial information, amino acid conservation, physicochemical variation, residue mobility, and thermodynamic stability) indicates that this missense variant is not expected to disrupt KMT2A protein function with a negative predictive value of 95%. In summary, the available evidence is currently insufficient to determine the role of this variant in disease. Therefore, it has been classified as a Variant of Uncertain Significance.